The following is an entry in ClinVar:

NM_001135629.3(PPP1R21):c.285A>G (p.Glu95=)

Gene: PPP1R21 (protein phosphatase 1 regulatory subunit 21; plus strand). Cytogenetic location: 2p16.3.
Variant type: single nucleotide variant.
Coding change: c.285A>G on transcript NM_001135629.3 (MANE Select); coding-DNA position 285, A replaced by G.
Protein change: p.Glu95=; no amino-acid change (glutamic acid 95 retained).
Molecular consequence: synonymous variant. On other transcripts: non-coding transcript variant (1).
Genome position (GRCh38, 1-based): chr2:48,458,137, A>G. VCF-style: chr2-48458137-A-G. GRCh37 (hg19) VCF-style: chr2-48685276-A-G.
Other names: c.285A>G, p.Glu95= (NM_001193475.2, NM_152994.5).
Identifiers: ClinVar variation 3053103 (VCV003053103.2), dbSNP rs141303876, ClinGen allele CA1650805.
Genomic context (GRCh38, chr2:48,458,137, plus strand): 5'-TTCTCTAAAGGATGAAAGTTATGTGGACATAACTTATTCTTTCCATCAGAAAAGTGGAGA[A>G]TCTTCTTCTCAGTTGAGTCAAGAGCAGAAGAGTGTCTTTGATGAAGATCTGCAAAAGAAG-3'
Protein context (NP_001129101.1, residues 85-105): PRGKKNKKSG[Glu95=]SSSQLSQEQK

ClinVar aggregate classification (germline): Likely benign (0 of 4 stars; one submission).

Conditions:
PPP1R21-related disorder. Also called: PPP1R21-related condition.

Allele frequency attached by ClinVar (database versions not stated): ExAC 0.00033; 1000 Genomes Project 0.00120; gnomAD 0.00139; ESP Exome Variant Server 0.00154; TOPMed 0.00156.
gnomAD v4.1: 405 of 1,609,666 alleles (0.025%); highest among the groups gnomAD compares: African/African-American, 0.46%; 2 homozygotes.

Submission:

PreventionGenetics, part of Exact Sciences
Classification: Likely benign for PPP1R21-related condition. Last evaluated: 2019-08-28. Review status: no assertion criteria provided. Collection method: clinical testing. Allele origin: germline.
Comment: This variant is classified as likely benign based on ACMG/AMP sequence variant interpretation guidelines (Richards et al. 2015 PMID: 25741868, with internal and published modifications).